The following is an entry in ClinVar:

NM_001184.4(ATR):c.6138T>G (p.Tyr2046Ter)

Genes: ATR (ATR checkpoint kinase; minus strand), LOC126806830 (BRD4-independent group 4 enhancer GRCh37_chr3:142203676-142204875; plus strand). Cytogenetic location: 3q23.
Variant type: single nucleotide variant.
Coding change: c.6138T>G on transcript NM_001184.4 (MANE Select); coding-DNA position 6138, T replaced by G.
Protein change: p.Tyr2046Ter; replaces tyrosine 2046 with a stop codon.
Molecular consequence: nonsense.
Genome position (GRCh38, 1-based): chr3:142,485,223, A>C on the plus strand (T>G on the coding strand, the complement: ATR is on the minus strand). VCF-style: chr3-142485223-A-C. GRCh37 (hg19) VCF-style: chr3-142204065-A-C.
Other names: c.5946T>G, p.Tyr1982Ter (NM_001354579.2); short protein forms Y1982*, Y2046*.
Identifiers: ClinVar variation 3656521 (VCV003656521.2).

ClinVar aggregate classification (germline): Pathogenic (1 of 4 stars; one submission).

Submission:

Labcorp Genetics (formerly Invitae), Labcorp
Classification: Pathogenic. Last evaluated: 2024-08-31. Review status: criteria provided, single submitter. Criteria: Invitae Variant Classification Sherloc (09022015). Collection method: clinical testing. Allele origin: germline.
Comment: This sequence change creates a premature translational stop signal (p.Tyr2046*) in the ATR gene. It is expected to result in an absent or disrupted protein product. Loss-of-function variants in ATR are known to be pathogenic (PMID: 21228398, 23144622). This variant is not present in population databases (gnomAD no frequency). This variant has not been reported in the literature in individuals affected with ATR-related conditions. For these reasons, this variant has been classified as Pathogenic.

Literature cited by the submitters: PubMed 21228398; PubMed 23144622.